The following is an entry in ClinVar:

ClinVar aggregate classification (germline): Uncertain significance (1 of 4 stars; one submission).

Conditions:
Idiopathic generalized epilepsy. Also called: EIG; Generalised epilepsy. Identifiers: MedGen C0270850, MONDO:0005579, OMIM 600669.

Submission:

Labcorp Genetics (formerly Invitae), Labcorp
Classification: Uncertain significance for Idiopathic generalized epilepsy. Last evaluated: 2025-01-29. Review status: criteria provided, single submitter. Criteria: Invitae Variant Classification Sherloc (09022015). Collection method: clinical testing. Allele origin: germline.
Comment: This sequence change falls in intron 11 of the RBFOX1 gene. It does not directly change the encoded amino acid sequence of the RBFOX1 protein. This variant is not present in population databases (gnomAD no frequency). This variant has not been reported in the literature in individuals affected with RBFOX1-related conditions. This variant is also known as p.Gly355Cysfs*37. In summary, the available evidence is currently insufficient to determine the role of this variant in disease. Therefore, it has been classified as a Variant of Uncertain Significance.

NM_018723.4(RBFOX1):c.996-34_999dup

Genes: RBFOX1 (RNA binding fox-1 homolog 1; plus strand), LOC126862279 (MED14-independent group 3 enhancer GRCh37_chr16:7758954-7760153; plus strand). Cytogenetic location: 16p13.3.
Variant type: Duplication.
Coding change: c.996-34_999dup on transcript NM_018723.4 (MANE Select); 34 bases into the intron before coding-DNA position 996 through coding-DNA position 999, 38 bases duplicated.
Molecular consequence: splice acceptor variant.
Genome position (GRCh38, 1-based): chr16:7,709,022-7,709,059, 38 bases duplicated; duplicating any 38 consecutive bases within chr16:7,709,019-7,709,059 gives the same sequence; the c. name uses the placement nearest the transcript's 3' end. GRCh37 (hg19): chr16:7,759,024-7,759,061.
Other names: c.1646-34_1649dup (NM_001415887.1); c.1512-34_1515dup (NM_001415888.1); c.1049-34_1052dup (NM_001364800.2); c.915-34_918dup (NM_001142333.2); c.1178-34_1181dup (NM_001415895.1, NM_001411047.1); c.1125-34_1128dup (NM_001415891.1, NM_001308117.1); c.1097-34_1100dup (NM_001415907.1); c.1044-34_1047dup (NM_001415897.1); and 23 more.
Identifiers: ClinVar variation 4711917 (VCV004711917.1).